The following is an entry in ClinVar:

NM_003242.6(TGFBR2):c.1277C>A (p.Ala426Asp)

Gene: TGFBR2 (transforming growth factor beta receptor 2; plus strand). Cytogenetic location: 3p24.1.
Variant type: single nucleotide variant.
Coding change: c.1277C>A on transcript NM_003242.6 (MANE Select); coding-DNA position 1277, C replaced by A.
Protein change: p.Ala426Asp; replaces alanine 426 with aspartic acid.
Molecular consequence: missense variant.
Genome position (GRCh38, 1-based): chr3:30,674,127, C>A. VCF-style: chr3-30674127-C-A. GRCh37 (hg19) VCF-style: chr3-30715619-C-A.
Other names: p.A426D:GCT>GAT; c.1352C>A, p.Ala451Asp (NM_001024847.3); c.1460C>A, p.Ala487Asp (NM_001407126.1); c.1385C>A, p.Ala462Asp (NM_001407127.1); c.1304C>A, p.Ala435Asp (NM_001407128.1); c.1280C>A, p.Ala427Asp (NM_001407129.1); c.1277C>A, p.Ala426Asp (NM_001407130.1); c.1172C>A, p.Ala391Asp (NM_001407132.1, NM_001407133.1, NM_001407134.1 and 2 more transcripts); and 2 more; short protein forms A426D, A451D, A487D, A331D, A427D, A462D, A391D, A435D.
Identifiers: ClinVar variation 213930 (VCV000213930.3), dbSNP rs730880224, ClinGen allele CA323900.
Genomic context (GRCh38, chr3:30,674,127, plus strand): 5'-AATTAAATGATGGGCCTCACTGTCTGTTTTTGCTATAGGTGGGAACTGCAAGATACATGG[C>A]TCCAGAAGTCCTAGAATCCAGGATGAATTTGGAGAATGTTGAGTCCTTCAAGCAGACCGA-3'
Protein context (NP_003233.4, residues 416-436): SGQVGTARYM[Ala426Asp]PEVLESRMNL

ClinVar aggregate classification (germline): Pathogenic (1 of 4 stars; one submission).

Submission:

GeneDx
Classification: Pathogenic. Last evaluated: 2014-07-08. Review status: criteria provided, single submitter. Criteria: GeneDx Variant Classification (06012015). Collection method: clinical testing. Allele origin: germline. Affected: yes.
Comment: p.Ala426Asp (GCT>GAT): c.1277 C>A in exon 5 of the TGFBR2 gene (NM_003242.5)While the A426D mutation in the TGFBR2 gene has not been reported to our knowledge, a mutation affecting this same residue (A426T) has been reported in association with a Marfan-like phenotype (Stheneur et al., 2009). Additionally, mutations in nearby residues (M425V, P427S, P427L) have been reported in association with Loeys-Dietz syndrome or Marfan syndrome, further supporting the functional importance of this residue and this region of the protein. A426D results in a non-conservative amino acid substitution of Alanine at a position that is conserved across species. In silico analysis predicts A426D is damaging to the protein structure/function. Furthermore, A426D was not observed in approximately 6,500 individuals of European and African American ancestry in the NHLBI Exome Sequencing Project, indicating it is not a common benign variant in these populations.In summary, A426D in the TGFBR2 gene is interpreted as a likely disease-causing mutation. This variant was found in TAAD